The following is an entry in ClinVar:

NM_000391.4(TPP1):c.52A>T (p.Lys18Ter)

Gene: TPP1 (tripeptidyl peptidase 1; minus strand). Cytogenetic location: 11p15.4.
Variant type: single nucleotide variant.
Coding change: c.52A>T on transcript NM_000391.4 (MANE Select); coding-DNA position 52, A replaced by T.
Protein change: p.Lys18Ter; replaces lysine 18 with a stop codon.
Molecular consequence: nonsense.
Genome position (GRCh38, 1-based): chr11:6,619,233, T>A on the plus strand (A>T on the coding strand, the complement: TPP1 is on the minus strand). VCF-style: chr11-6619233-T-A. GRCh37 (hg19) VCF-style: chr11-6640464-T-A.
Other names: short protein forms K18*.
Identifiers: ClinVar variation 1409463 (VCV001409463.6), dbSNP rs1469902314, ClinGen allele CA379477010.

ClinVar aggregate classification (germline): Pathogenic (1 of 4 stars; one submission).

Submission:

Labcorp Genetics (formerly Invitae), Labcorp
Classification: Pathogenic. Last evaluated: 2021-10-09. Review status: criteria provided, single submitter. Criteria: Invitae Variant Classification Sherloc (09022015). Collection method: clinical testing. Allele origin: germline.
Comment: For these reasons, this variant has been classified as Pathogenic. This variant has not been reported in the literature in individuals affected with TPP1-related conditions. This variant is not present in population databases (ExAC no frequency). This sequence change creates a premature translational stop signal (p.Lys18*) in the TPP1 gene. It is expected to result in an absent or disrupted protein product. Loss-of-function variants in TPP1 are known to be pathogenic (PMID: 10330339).

Literature cited by the submitters: PubMed 10330339.